The following is an entry in ClinVar:

ClinVar aggregate classification (germline): Likely benign. Review status: reviewed by expert panel (3 of 4 stars). 5 submissions from 5 submitters: Likely benign (1). 4 of the submissions do not count toward it. Last evaluated 2023-02-18.

Conditions:
Hereditary cancer-predisposing syndrome. Also called: Neoplastic Syndromes, Hereditary; Tumor predisposition; Hereditary neoplastic syndrome; Hereditary Cancer Syndrome. Identifiers: Orphanet 140162, MedGen C0027672, MeSH D009386, MONDO:0015356.
Ovarian cancer. Also called: OVARIAN CANCER, SOMATIC. Identifiers: Orphanet 213500, MedGen C1140680, MONDO:0008170, OMIM 167000.
Familial adenomatous polyposis 1 (FAP1). Also called: POLYPOSIS, ADENOMATOUS INTESTINAL; FAMILIAL ADENOMATOUS POLYPOSIS 1, ATTENUATED. Identifiers: MedGen C2713442, MONDO:0021056, OMIM 175100. Disease mechanism: loss of function.

Allele frequency attached by ClinVar (database versions not stated): TOPMed below 0.00001.

Submissions (5):

ClinGen InSiGHT Hereditary Colorectal Cancer/Polyposis Variant Curation Expert Panel
Classification: Likely benign for Familial adenomatous polyposis 1. Last evaluated: 2023-02-18. Review status: reviewed by expert panel. Criteria: ClinGen InSiGHT HCCP VCEP ACMG Specifications APC V1. Collection method: curation. Allele origin: germline. Inheritance: Autosomal dominant inheritance.
Comment: The c.235A>G variant in APC is a missense variant predicted to cause substitution of serine by glycine at amino acid 79 (p.Ser79Gly). This variant is absent from gnomAD v2.1.1 (PM2_Supporting). APC is defined by the ClinGen InSiGHT Hereditary Colorectal Cancer/Polyposis Variant Curation Expert Panel (HCCP VCEP) as a gene for which primarily truncating variants are known to cause disease (BP1). This variant has been observed in 6 heterozygous individuals with no features of FAP, worth 3 healthy individual points (BS2_Supporting; Ambry Genetics Internal Data; Invitae Internal Data). In summary, this variant meets the criteria to be classified as Likely Benign for FAP based on the ACMG/AMP criteria applied, as specified by the HCCP VCEP: BS2_supporting, BP1. (VCEP specifications version 1; date of approval: 12/12/2022).

Labcorp Genetics (formerly Invitae), Labcorp
Classification: Uncertain significance for Familial adenomatous polyposis 1. Last evaluated: 2025-03-09. Review status: criteria provided, single submitter. Criteria: Invitae Variant Classification Sherloc (09022015). Collection method: clinical testing. Allele origin: germline. Not counted in ClinVar's aggregate classification.
Comment: This sequence change replaces serine, which is neutral and polar, with glycine, which is neutral and non-polar, at codon 79 of the APC protein (p.Ser79Gly). This variant is not present in population databases (gnomAD no frequency). This variant has not been reported in the literature in individuals affected with APC-related conditions. ClinVar contains an entry for this variant (Variation ID: 628873). Invitae Evidence Modeling of protein sequence and biophysical properties (such as structural, functional, and spatial information, amino acid conservation, physicochemical variation, residue mobility, and thermodynamic stability) indicates that this missense variant is not expected to disrupt APC protein function with a negative predictive value of 95%. In summary, the available evidence is currently insufficient to determine the role of this variant in disease. Therefore, it has been classified as a Variant of Uncertain Significance.

Laboratory of Molecular Epidemiology of Birth Defects, West China Second University Hospital, Sichuan University
Classification: Benign for Ovarian cancer. Last evaluated: 2022-01-01. Review status: criteria provided, single submitter. Criteria: ACMG Guidelines, 2015. Collection method: clinical testing. Allele origin: germline. Affected: yes. Not counted in ClinVar's aggregate classification.

Ambry Genetics
Classification: Uncertain significance for Hereditary cancer-predisposing syndrome. Last evaluated: 2021-06-22. Review status: criteria provided, single submitter. Criteria: Ambry Variant Classification Scheme 2023. Collection method: clinical testing. Allele origin: germline. Not counted in ClinVar's aggregate classification.
Comment: The p.S79G variant (also known as c.235A>G), located in coding exon 3 of the APC gene, results from an A to G substitution at nucleotide position 235. The serine at codon 79 is replaced by glycine, an amino acid with similar properties. This amino acid position is well conserved in available vertebrate species. In addition, in silico predictors for this gene do not accurately predict pathogenicity. Since supporting evidence is limited at this time, the clinical significance of this alteration remains unclear.

Color Diagnostics, LLC DBA Color Health
Classification: Uncertain significance for Hereditary cancer-predisposing syndrome. Last evaluated: 2019-01-15. Review status: criteria provided, single submitter. Criteria: ACMG Guidelines, 2015. Collection method: clinical testing. Allele origin: germline. Not counted in ClinVar's aggregate classification.

NM_000038.6(APC):c.235A>G (p.Ser79Gly)

Gene: APC (APC regulator of Wnt signaling pathway; plus strand). Cytogenetic location: 5q22.2.
Variant type: single nucleotide variant.
Coding change: c.235A>G on transcript NM_000038.6 (MANE Select); coding-DNA position 235, A replaced by G.
Protein change: p.Ser79Gly; replaces serine 79 with glycine.
Molecular consequence: missense variant. On other transcripts: 5 prime UTR variant (1).
Genome position (GRCh38, 1-based): chr5:112,767,203, A>G. VCF-style: chr5-112767203-A-G. GRCh37 (hg19) VCF-style: chr5-112102900-A-G.
Other names: NM_000038.6(APC):c.235A>G; p.Ser79Gly; c.235A>G, p.Ser79Gly (NM_001127510.3, NM_001354895.2, NM_001354896.2 and 2 more transcripts); c.265A>G, p.Ser89Gly (NM_001127511.3, NM_001354897.2, NM_001354902.2); c.160A>G, p.Ser54Gly (NM_001354898.2, NM_001354904.2); c.58A>G, p.Ser20Gly (NM_001354900.2, NM_001354901.2, NM_001354905.2); c.-801A>G (NM_001354906.2); short protein forms S89G, S79G, S20G, S54G.
Identifiers: ClinVar variation 628873 (VCV000628873.19), dbSNP rs1001856924, ClinGen allele CA16021856.